The following is an entry in ClinVar:

ClinVar aggregate classification (germline): Uncertain significance (1 of 4 stars; one submission).

Allele frequency attached by ClinVar (database versions not stated): ExAC 0.00001.
gnomAD v4.1: 1 of 1,613,468 alleles (0.000062%); highest among the groups gnomAD compares: Non-Finnish European, 0.000085%; no homozygotes.

Submission:

Labcorp Genetics (formerly Invitae), Labcorp
Classification: Uncertain significance. Last evaluated: 2022-07-30. Review status: criteria provided, single submitter. Criteria: Invitae Variant Classification Sherloc (09022015). Collection method: clinical testing. Allele origin: germline.
Comment: This sequence change replaces isoleucine, which is neutral and non-polar, with phenylalanine, which is neutral and non-polar, at codon 1322 of the ASPM protein (p.Ile1322Phe). This variant is present in population databases (rs753263565, gnomAD 0.0009%). This variant has not been reported in the literature in individuals affected with ASPM-related conditions. Algorithms developed to predict the effect of missense changes on protein structure and function are either unavailable or do not agree on the potential impact of this missense change (SIFT: "Deleterious"; PolyPhen-2: "Probably Damaging"; Align-GVGD: "Class C0"). In summary, the available evidence is currently insufficient to determine the role of this variant in disease. Therefore, it has been classified as a Variant of Uncertain Significance.

NM_018136.5(ASPM):c.3964A>T (p.Ile1322Phe)

Gene: ASPM (assembly factor for spindle microtubules; minus strand). Cytogenetic location: 1q31.3.
Variant type: single nucleotide variant.
Coding change: c.3964A>T on transcript NM_018136.5 (MANE Select); coding-DNA position 3964, A replaced by T.
Protein change: p.Ile1322Phe; replaces isoleucine 1322 with phenylalanine.
Molecular consequence: missense variant.
Genome position (GRCh38, 1-based): chr1:197,117,890, T>A on the plus strand (A>T on the coding strand, the complement: ASPM is on the minus strand). VCF-style: chr1-197117890-T-A. GRCh37 (hg19) VCF-style: chr1-197087020-T-A.
Other names: c.3964A>T, p.Ile1322Phe (NM_001206846.2); short protein forms I1322F.
Identifiers: ClinVar variation 1714450 (VCV001714450.5), dbSNP rs753263565, ClinGen allele CA1310032.
Genomic context (GRCh38, chr1:197,117,890, plus strand): 5'-TTTCCTTTTTTAACATTAATAATTTTCTCTGTGCTAAGACTCTTCGCCAATATTTCTGAA[T>A]GACGAGTGCTGCATTAACTCTTTTTCTCAATCTTTGTTTTGCTAGAAAATTGATTACAGC-3'
Protein context (NP_060606.3, residues 1312-1332): LRKRVNAALV[Ile1322Phe]QKYWRRVLAQ